The following is an entry in ClinVar:

ClinVar aggregate classification (germline): Uncertain significance. Review status: criteria provided, multiple submitters, no conflicts (2 of 4 stars). 3 submissions from 3 submitters: Uncertain significance (3). Last evaluated 2024-12-05.

Conditions:
MEGF10-related myopathy (CMYO10A). Also called: Congenital myopathy 10A, severe variant. Identifiers: Orphanet 439212, MedGen C3280679, MONDO:0013731, OMIM 614399.
Inborn genetic diseases. Identifiers: MedGen C0950123, MeSH D030342.

Allele frequency attached by ClinVar (database versions not stated): gnomAD exomes 0.00001 and 0.00002; ExAC 0.00002; gnomAD 0.00002; TOPMed 0.00003; ESP Exome Variant Server 0.00015.
gnomAD v4.1: 22 of 1,613,960 alleles (0.0014%); highest among the groups gnomAD compares: Non-Finnish European, 0.0018%; no homozygotes.

Submissions (3):

Labcorp Genetics (formerly Invitae), Labcorp
Classification: Uncertain significance for MEGF10-related myopathy. Last evaluated: 2024-12-05. Review status: criteria provided, single submitter. Criteria: Invitae Variant Classification Sherloc (09022015). Collection method: clinical testing. Allele origin: germline.
Comment: This sequence change replaces isoleucine, which is neutral and non-polar, with valine, which is neutral and non-polar, at codon 863 of the MEGF10 protein (p.Ile863Val). This variant is present in population databases (rs148862988, gnomAD 0.006%). This variant has not been reported in the literature in individuals affected with MEGF10-related conditions. ClinVar contains an entry for this variant (Variation ID: 659264). Invitae Evidence Modeling of protein sequence and biophysical properties (such as structural, functional, and spatial information, amino acid conservation, physicochemical variation, residue mobility, and thermodynamic stability) indicates that this missense variant is not expected to disrupt MEGF10 protein function with a negative predictive value of 80%. In summary, the available evidence is currently insufficient to determine the role of this variant in disease. Therefore, it has been classified as a Variant of Uncertain Significance.

GeneDx
Classification: Uncertain significance. Last evaluated: 2024-11-01. Review status: criteria provided, single submitter. Criteria: GeneDx Variant Classification Process June 2021. Collection method: clinical testing. Allele origin: germline. Affected: yes.
Comment: Not observed at significant frequency in large population cohorts (gnomAD); In silico analysis indicates that this missense variant does not alter protein structure/function; Has not been previously published as pathogenic or benign to our knowledge

Ambry Genetics
Classification: Uncertain significance for Inborn genetic diseases. Last evaluated: 2024-01-24. Review status: criteria provided, single submitter. Criteria: Ambry Variant Classification Scheme 2023. Collection method: clinical testing. Allele origin: germline.

NM_001256545.2(MEGF10):c.2587A>G (p.Ile863Val)

Gene: MEGF10 (multiple EGF like domains 10; plus strand). Cytogenetic location: 5q23.2.
Variant type: single nucleotide variant.
Coding change: c.2587A>G on transcript NM_001256545.2 (MANE Select); coding-DNA position 2587, A replaced by G.
Protein change: p.Ile863Val; replaces isoleucine 863 with valine.
Molecular consequence: missense variant.
Genome position (GRCh38, 1-based): chr5:127,445,552, A>G. VCF-style: chr5-127445552-A-G. GRCh37 (hg19) VCF-style: chr5-126781244-A-G.
Other names: c.2587A>G, p.Ile863Val (NM_032446.3); c.2587A>G (NM_032446.2); short protein forms I863V.
Identifiers: ClinVar variation 659264 (VCV000659264.11), dbSNP rs148862988, ClinGen allele CA3391976.